The following is an entry in ClinVar:

NM_001283009.2(RTEL1):c.25G>A (p.Val9Met)

Genes: RTEL1 (regulator of telomere elongation helicase 1; plus strand), RTEL1-TNFRSF6B (RTEL1-TNFRSF6B readthrough (NMD candidate); plus strand). Cytogenetic location: 20q13.33.
Variant type: single nucleotide variant.
Coding change: c.25G>A on transcript NM_001283009.2 (MANE Select); coding-DNA position 25, G replaced by A.
Protein change: p.Val9Met; replaces valine 9 with methionine.
Molecular consequence: missense variant. On other transcripts: non-coding transcript variant (1), intron variant (1).
Genome position (GRCh38, 1-based): chr20:63,659,427, G>A. VCF-style: chr20-63659427-G-A. GRCh37 (hg19) VCF-style: chr20-62290780-G-A.
Other names: c.25G>A, p.Val9Met (NM_016434.4, NM_032957.5); c.-568+968G>A (NM_001283010.1); short protein forms V9M.
Identifiers: ClinVar variation 4629642 (VCV004629642.1).

ClinVar aggregate classification (germline): Uncertain significance (1 of 4 stars; one submission).

Conditions:
Inborn genetic diseases. Identifiers: MedGen C0950123, MeSH D030342.

Submission:

Ambry Genetics
Classification: Uncertain significance for Inborn genetic diseases. Last evaluated: 2025-12-07. Review status: criteria provided, single submitter. Criteria: Ambry Variant Classification Scheme 2023. Collection method: clinical testing. Allele origin: germline.
Comment: The p.V9M variant (also known as c.25G>A), located in coding exon 1 of the RTEL1 gene, results from a G to A substitution at nucleotide position 25. The valine at codon 9 is replaced by methionine, an amino acid with highly similar properties. This amino acid position is conserved. In addition, the in silico prediction for this alteration is inconclusive. Based on the available evidence, the clinical significance of this variant remains unclear.